The following is an entry in ClinVar:

NM_000363.5(TNNI3):c.82G>T (p.Ala28Ser)

Gene: TNNI3 (troponin I3, cardiac type; minus strand). Cytogenetic location: 19q13.42.
Variant type: single nucleotide variant.
Coding change: c.82G>T on transcript NM_000363.5 (MANE Select); coding-DNA position 82, G replaced by T.
Protein change: p.Ala28Ser; replaces alanine 28 with serine.
Molecular consequence: missense variant.
Genome position (GRCh38, 1-based): chr19:55,157,076, C>A on the plus strand (G>T on the coding strand, the complement: TNNI3 is on the minus strand). VCF-style: chr19-55157076-C-A. GRCh37 (hg19) VCF-style: chr19-55668444-C-A.
Other names: short protein forms A28S.
Identifiers: ClinVar variation 2774624 (VCV002774624.3), dbSNP rs2147285950, ClinGen allele CA407442966.

ClinVar aggregate classification (germline): Uncertain significance. Review status: criteria provided, multiple submitters, no conflicts (2 of 4 stars). 2 submissions from 2 submitters: Uncertain significance (2). Last evaluated 2024-04-16.

Conditions:
Cardiomyopathy (CMYO). Also called: Cardiomyopathies. Identifiers: Orphanet 167848, MedGen C0878544, MONDO:0004994, HP:0001638. Inheritance: Various modes of inheritance.
Hypertrophic cardiomyopathy. Also called: HYPERTROPHIC MYOCARDIOPATHY. Identifiers: Orphanet 217569, MedGen C0007194, MeSH D002312, MONDO:0005045, HP:0001639.

Submissions (2):

All of Us Research Program, National Institutes of Health
Classification: Uncertain significance for Hypertrophic cardiomyopathy. Last evaluated: 2024-04-16. Review status: criteria provided, single submitter. Criteria: ACMG Guidelines, 2015. Collection method: clinical testing. Allele origin: germline. Inheritance: Autosomal dominant inheritance. Observed: 1 variant allele, 1 heterozygote.
Comment: This missense variant replaces alanine with serine at codon 28 of the TNNI3 protein. Computational prediction suggests that this variant may not impact protein structure and function (internally defined REVEL score threshold <= 0.5, PMID: 27666373). To our knowledge, functional studies have not been reported for this variant. This variant has not been reported in individuals affected with TNNI3-related disorders in the literature. This variant has not been identified in the general population by the Genome Aggregation Database (gnomAD). The available evidence is insufficient to determine the role of this variant in disease conclusively. Therefore, this variant is classified as a Variant of Uncertain Significance.

This study involves interpretation of variants in research participants for the purpose of population health screening. Participant phenotype was not available at the time of variant classification. Additional details can be found in publication PMID: 35346344, PMCID: PMC8962531

Color Diagnostics, LLC DBA Color Health
Classification: Uncertain significance for Cardiomyopathy. Last evaluated: 2023-11-20. Review status: criteria provided, single submitter. Criteria: ACMG Guidelines, 2015. Collection method: clinical testing. Allele origin: germline.
Comment: This missense variant replaces alanine with serine at codon 28 of the TNNI3 protein. Computational prediction suggests that this variant may not impact protein structure and function (internally defined REVEL score threshold <= 0.5, PMID: 27666373). To our knowledge, functional studies have not been reported for this variant. This variant has not been reported in individuals affected with TNNI3-related disorders in the literature. This variant has not been identified in the general population by the Genome Aggregation Database (gnomAD). The available evidence is insufficient to determine the role of this variant in disease conclusively. Therefore, this variant is classified as a Variant of Uncertain Significance.